The following is an entry in ClinVar:

ClinVar aggregate classification (germline): Benign/Likely benign. Review status: criteria provided, multiple submitters, no conflicts (2 of 4 stars). 3 submissions from 3 submitters: Benign (1); Likely benign (2). Last evaluated 2025-12-28.

Conditions:
POLD1-related polyposis and colorectal cancer syndrome (CRCS10). Also called: Colorectal cancer, susceptibility to, 10; Colorectal cancer 10; COLORECTAL CANCER, SUSCEPTIBILITY TO, ON CHROMOSOME 19q. Identifiers: Orphanet 220460, MedGen C2675481, MONDO:0012953, OMIM 612591.
Hereditary cancer-predisposing syndrome. Also called: Hereditary Cancer Syndrome; Hereditary neoplastic syndrome; Neoplastic Syndromes, Hereditary; Tumor predisposition. Identifiers: Orphanet 140162, MedGen C0027672, MeSH D009386, MONDO:0015356.

Allele frequency attached by ClinVar (database versions not stated): gnomAD exomes below 0.00001.
gnomAD v4.1: 2 of 1,565,210 alleles (0.00013%); highest among the groups gnomAD compares: Middle Eastern, 0.017%; no homozygotes.

Submissions (3):

Labcorp Genetics (formerly Invitae), Labcorp
Classification: Likely benign for POLD1-related polyposis and colorectal cancer syndrome. Last evaluated: 2025-12-28. Review status: criteria provided, single submitter. Criteria: Invitae Variant Classification Sherloc (09022015). Collection method: clinical testing. Allele origin: germline.

Myriad Genetics, Inc.
Classification: Benign for POLD1-related polyposis and colorectal cancer syndrome. Last evaluated: 2025-02-05. Review status: criteria provided, single submitter. Criteria: Myriad Autosomal Dominant, Autosomal Recessive and X-Linked Classification Criteria (2023). Collection method: clinical testing. Allele origin: unknown.
Comment: This variant is considered benign. This variant is a silent/synonymous amino acid change and it is not expected to impact splicing.

Ambry Genetics
Classification: Likely benign for Hereditary cancer-predisposing syndrome. Last evaluated: 2024-08-26. Review status: criteria provided, single submitter. Criteria: Ambry Variant Classification Scheme 2023. Collection method: clinical testing. Allele origin: germline.

NM_002691.4(POLD1):c.1023C>T (p.Gly341=)

Gene: POLD1 (DNA polymerase delta 1, catalytic subunit; plus strand). Cytogenetic location: 19q13.33.
Variant type: single nucleotide variant.
Coding change: c.1023C>T on transcript NM_002691.4 (MANE Select); coding-DNA position 1023, C replaced by T.
Protein change: p.Gly341=; no amino-acid change (glycine 341 retained).
Molecular consequence: synonymous variant. On other transcripts: non-coding transcript variant (1).
Genome position (GRCh38, 1-based): chr19:50,403,105, C>T. VCF-style: chr19-50403105-C-T. GRCh37 (hg19) VCF-style: chr19-50906362-C-T.
Other names: c.1023C>T, p.Gly341= (NM_001256849.1, NM_001308632.1); c.1023C>T (NM_002691.2).
Identifiers: ClinVar variation 706713 (VCV000706713.9), dbSNP rs1601204206, ClinGen allele CA508182554.